The following is an entry in ClinVar:

NM_001164508.2(NEB):c.19542C>G (p.Tyr6514Ter)

Genes: NEB (nebulin; minus strand), LOC126806373 (BRD4-independent group 4 enhancer GRCh37_chr2:152410007-152411206; plus strand). Cytogenetic location: 2q23.3.
Variant type: single nucleotide variant.
Coding change: c.19542C>G on transcript NM_001164508.2 (MANE Select); coding-DNA position 19542, C replaced by G.
Protein change: p.Tyr6514Ter; replaces tyrosine 6514 with a stop codon.
Molecular consequence: nonsense.
Genome position (GRCh38, 1-based): chr2:151,553,912, G>C on the plus strand (C>G on the coding strand, the complement: NEB is on the minus strand). VCF-style: chr2-151553912-G-C. GRCh37 (hg19) VCF-style: chr2-152410426-G-C.
Other names: c.19542C>G, p.Tyr6514Ter (NM_001164507.2, NM_001271208.2); c.14439C>G, p.Tyr4813Ter (NM_004543.5); short protein forms Y4813*, Y6514*.
Identifiers: ClinVar variation 4058697 (VCV004058697.2).
Genomic context (GRCh38, chr2:151,553,912, plus strand): 5'-CCTGACGTGATCATTGACTTGCAAGTCGGGGTGGCAAATCCATTCGTGGAGGCGCAGGCG[G>C]TAATCAATCTCACTGACTTTCTTCTGGGAATCCTTGGCAGTAACCATCTCTACCATGTCG-3'

ClinVar aggregate classification (germline): Likely pathogenic (1 of 4 stars; one submission).

Conditions:
Nemaline myopathy 2 (NEM2). Also called: Nemaline myopathy 2, autosomal recessive. Identifiers: MedGen C1850569, MONDO:0009725, OMIM 256030.

Submission:

Natera, Inc.
Classification: Likely pathogenic for Nemaline myopathy type 2. Last evaluated: 2025-02-26. Review status: criteria provided, single submitter. Criteria: Natera Variant Classification Schema (03/2026). Collection method: clinical testing. Allele origin: germline.
Comment: The c.19542C>G variant in NEB is a nonsense variant predicted to introduce a stop codon at amino acid 6514. This variant is expected to result in nonsense mediated decay, truncation, or a dysfunctional protein product. This variant is rare in the general population with a frequency below the threshold expected for the associated phenotype(s). Given the available evidence, this variant is classified as Likely Pathogenic.